The following is an entry in ClinVar:

NM_000051.4(ATM):c.8551G>A (p.Ala2851Thr)

Genes: ATM (ATM serine/threonine kinase; plus strand), C11orf65 (chromosome 11 open reading frame 65; minus strand). Cytogenetic location: 11q22.3.
Variant type: single nucleotide variant.
Coding change: c.8551G>A on transcript NM_000051.4 (MANE Select); coding-DNA position 8551, G replaced by A.
Protein change: p.Ala2851Thr; replaces alanine 2851 with threonine.
Molecular consequence: missense variant. On other transcripts: intron variant (2).
Genome position (GRCh38, 1-based): chr11:108,345,875, G>A. VCF-style: chr11-108345875-G-A. GRCh37 (hg19) VCF-style: chr11-108216602-G-A.
Other names: c.8551G>A, p.Ala2851Thr (NM_001351834.2); c.641-36804C>T (NM_001330368.2); c.695-10583C>T (NM_001351110.2); short protein forms A2851T.
Identifiers: ClinVar variation 1763827 (VCV001763827.2), dbSNP rs2137035686, ClinGen allele CA382518462.

ClinVar aggregate classification (germline): Uncertain significance (1 of 4 stars; one submission).

Conditions:
Hereditary cancer-predisposing syndrome. Also called: Hereditary neoplastic syndrome; Neoplastic Syndromes, Hereditary; Tumor predisposition; Hereditary Cancer Syndrome. Identifiers: Orphanet 140162, MedGen C0027672, MeSH D009386, MONDO:0015356.

Submission:

Ambry Genetics
Classification: Uncertain significance for Hereditary cancer-predisposing syndrome. Last evaluated: 2020-12-18. Review status: criteria provided, single submitter. Criteria: Ambry Variant Classification Scheme 2023. Collection method: clinical testing. Allele origin: germline.
Comment: The p.A2851T variant (also known as c.8551G>A), located in coding exon 57 of the ATM gene, results from a G to A substitution at nucleotide position 8551. The alanine at codon 2851 is replaced by threonine, an amino acid with similar properties. This amino acid position is highly conserved in available vertebrate species. In addition, the in silico prediction for this alteration is inconclusive. Since supporting evidence is limited at this time, the clinical significance of this alteration remains unclear.